The following is an entry in ClinVar:

ClinVar aggregate classification (germline): Uncertain significance (1 of 4 stars; one submission).

gnomAD v4.1: 11 of 1,613,484 alleles (0.00068%); highest among the groups gnomAD compares: Admixed American, 0.0017%; no homozygotes.

Submission:

Ambry Genetics
Classification: Uncertain significance. Last evaluated: 2024-12-06. Review status: criteria provided, single submitter. Criteria: Ambry Variant Classification Scheme 2023. Collection method: clinical testing. Allele origin: germline.
Comment: The p.H929N variant (also known as c.2785C>A), located in coding exon 11 of the WNK2 gene, results from a C to A substitution at nucleotide position 2785. The histidine at codon 929 is replaced by asparagine, an amino acid with similar properties. This amino acid position is conserved. In addition, this alteration is predicted to be tolerated by in silico analysis. Based on the available evidence, the clinical significance of this variant remains unclear.

NM_006648.4(WNK2):c.2785C>A (p.His929Asn)

Gene: WNK2 (WNK lysine deficient protein kinase 2; plus strand). Cytogenetic location: 9q22.31.
Variant type: single nucleotide variant.
Coding change: c.2785C>A on transcript NM_006648.4 (MANE Select); coding-DNA position 2785, C replaced by A.
Protein change: p.His929Asn; replaces histidine 929 with asparagine.
Molecular consequence: missense variant.
Genome position (GRCh38, 1-based): chr9:93,259,333, C>A. VCF-style: chr9-93259333-C-A. GRCh37 (hg19) VCF-style: chr9-96021615-C-A.
Other names: c.2785C>A, p.His929Asn (NM_001282394.3); short protein forms H929N.
Identifiers: ClinVar variation 3470620 (VCV003470620.1).
Genomic context (GRCh38, chr9:93,259,333, plus strand): 5'-CAACCTGTGTACCCAGCGGCCTTCCCACAGATGGCGCCTACTGACGTCCCTCCTTCCCCC[C>A]ATCACACGGTGCAGAATATGAGGGCCACCCCTCCACAGCCGGCACTGCCTCCACAACCCA-3'
Protein context (NP_006639.3, residues 919-939): MAPTDVPPSP[His929Asn]HTVQNMRATP